The following is an entry in ClinVar:

NM_001267550.2(TTN):c.26116G>A (p.Asp8706Asn)

Gene: TTN (titin; minus strand). Cytogenetic location: 2q31.2.
Variant type: single nucleotide variant.
Coding change: c.26116G>A on transcript NM_001267550.2 (MANE Select); coding-DNA position 26116, G replaced by A.
Protein change: p.Asp8706Asn; replaces aspartic acid 8706 with asparagine.
Molecular consequence: missense variant. On other transcripts: intron variant (3).
Genome position (GRCh38, 1-based): chr2:178,715,070, C>T on the plus strand (G>A on the coding strand, the complement: TTN is on the minus strand). VCF-style: chr2-178715070-C-T. GRCh37 (hg19) VCF-style: chr2-179579797-C-T.
Other names: p.Asp8389Asn; c.25165G>A, p.Asp8389Asn (NM_001256850.1); c.22384G>A, p.Asp7462Asn (NM_133378.4); c.13282+23012G>A (NM_003319.4); c.13858+23012G>A (NM_133437.4); c.13657+23012G>A (NM_133432.3); short protein forms D7462N, D8706N, D8389N.
Identifiers: ClinVar variation 263344 (VCV000263344.13), dbSNP rs377074955, ClinGen allele CA2000074.

ClinVar aggregate classification (germline): Conflicting classifications of pathogenicity. Review status: criteria provided, conflicting classifications (1 of 4 stars). 7 submissions from 7 submitters: Uncertain significance (4); Likely benign (1). 2 of the submissions do not count toward it. Last evaluated 2025-05-29.

Conditions:
Dilated cardiomyopathy 1G (CMD1G). Identifiers: Orphanet 154, MedGen C1858763, MONDO:0011400, OMIM 604145.
Autosomal recessive limb-girdle muscular dystrophy type 2J (LGMDR10). Also called: Limb-girdle muscular dystrophy, type 2J; MUSCULAR DYSTROPHY, LIMB-GIRDLE, AUTOSOMAL RECESSIVE 10. Identifiers: Orphanet 140922, MedGen C1837342, MONDO:0012127, OMIM 608807.
Cardiovascular phenotype. Identifiers: MedGen CN230736.

Allele frequency attached by ClinVar (database versions not stated): gnomAD exomes 0.00002; TOPMed 0.00002; ExAC 0.00002; gnomAD 0.00001; ESP Exome Variant Server 0.00008.
gnomAD v4.1: 64 of 1,613,512 alleles (0.004%); highest among the groups gnomAD compares: East Asian, 0.016%; no homozygotes.

Submissions (7):

Mayo Clinic Laboratories, Mayo Clinic
Classification: Uncertain significance. Last evaluated: 2025-05-29. Review status: criteria provided, single submitter. Criteria: ACMG Guidelines, 2015. Collection method: clinical testing. Allele origin: germline. Observed: 1 variant allele.
Comment: BP4

Revvity Omics, Revvity
Classification: Uncertain significance. Last evaluated: 2020-12-28. Review status: criteria provided, single submitter. Criteria: ACMG Guidelines, 2015. Collection method: clinical testing. Allele origin: germline.

GeneDx
Classification: Uncertain significance. Last evaluated: 2019-04-15. Review status: criteria provided, single submitter. Criteria: GeneDx Variant Classification Process June 2021. Collection method: clinical testing. Allele origin: germline. Affected: yes.

Labcorp Genetics (formerly Invitae), Labcorp
Classification: Uncertain significance for Dilated cardiomyopathy 1G; Autosomal recessive limb-girdle muscular dystrophy type 2J. Last evaluated: 2017-06-01. Review status: criteria provided, single submitter. Criteria: Invitae Variant Classification Sherloc (09022015). Collection method: clinical testing. Allele origin: germline.

Ambry Genetics
Classification: Likely benign for Cardiovascular phenotype. Last evaluated: 2013-04-04. Review status: criteria provided, single submitter. Criteria: Ambry Autosomal Dominant and X-Linked criteria (10/2015). Collection method: clinical testing. Allele origin: germline. Observed: 1 variant allele.

Clinical Genetics, Academic Medical Center
Classification: Uncertain significance. Review status: no assertion criteria provided. Collection method: clinical testing. Allele origin: germline. Affected: yes. Study: VKGL Data-share Consensus. Not counted in ClinVar's aggregate classification.

Diagnostic Laboratory, Department of Genetics, University Medical Center Groningen
Classification: Uncertain significance. Review status: no assertion criteria provided. Collection method: clinical testing. Allele origin: germline. Affected: yes. Study: VKGL Data-share Consensus. Not counted in ClinVar's aggregate classification.